The following is an entry in ClinVar:

ClinVar aggregate classification (germline): Benign/Likely benign. Review status: criteria provided, multiple submitters, no conflicts (2 of 4 stars). 9 submissions from 9 submitters: Benign (4); Likely benign (3). 2 of the submissions do not count toward it. Last evaluated 2026-07-01.

Conditions:
Cowden syndrome (CS). Also called: Cowden's disease; Cowden's syndrome; Cowden disease. Identifiers: Orphanet 201, MedGen C0018553, MONDO:0016063. Disease mechanism: gain of function.
Cowden syndrome 5 (CWS5). Identifiers: Orphanet 201, MedGen C3554518, MONDO:0014047, OMIM 615108.
Inborn genetic diseases. Identifiers: MedGen C0950123, MeSH D030342.

Allele frequency attached by ClinVar (database versions not stated): gnomAD exomes 0.00074; ExAC 0.00094; gnomAD 0.00274 and 0.00303; 1000 Genomes Project 0.00280; 1000 Genomes Project 30x 0.00281; TOPMed 0.00294; ESP Exome Variant Server 0.00304.
gnomAD v4.1: 828 of 1,450,270 alleles (0.057%); highest among the groups gnomAD compares: African/African-American, 1%; 1 homozygote.

Submissions (9):

CeGaT Center for Human Genetics Tuebingen
Classification: Likely benign. Last evaluated: 2026-07-01. Review status: criteria provided, single submitter. Criteria: CeGaT Center For Human Genetics Tuebingen Variant Classification Criteria Version 2. Collection method: clinical testing. Allele origin: germline. Affected: yes. Observed: 7 variant alleles.
Comment: PIK3CA: BP4, BP7, BS1

Labcorp Genetics (formerly Invitae), Labcorp
Classification: Benign for Cowden syndrome. Last evaluated: 2025-06-23. Review status: criteria provided, single submitter. Criteria: Invitae Variant Classification Sherloc (09022015). Collection method: clinical testing. Allele origin: germline.

Blueprint Genetics
Classification: Likely benign. Last evaluated: 2024-11-14. Review status: criteria provided, single submitter. Criteria: ACMG Guidelines, 2015. Collection method: clinical testing. Allele origin: germline.

KCCC/NGS Laboratory, Kuwait Cancer Control Center
Classification: Benign for Cowden syndrome 5. Last evaluated: 2023-07-07. Review status: criteria provided, single submitter. Criteria: ACMG Guidelines, 2015. Collection method: clinical testing. Allele origin: germline. Affected: yes.

Ambry Genetics
Classification: Likely benign for Inborn genetic diseases. Last evaluated: 2022-02-12. Review status: criteria provided, single submitter. Criteria: Ambry Variant Classification Scheme 2023. Collection method: clinical testing. Allele origin: germline.

GeneDx
Classification: Benign. Last evaluated: 2020-09-15. Review status: criteria provided, single submitter. Criteria: GeneDx Variant Classification Process June 2021. Collection method: clinical testing. Allele origin: germline. Affected: yes.

Breakthrough Genomics
Classification: Benign. Review status: criteria provided, single submitter. Criteria: ACMG Guidelines, 2015. Collection method: not provided. Allele origin: germline. Inheritance: Autosomal dominant inheritance. Affected: yes.

Genome Diagnostics Laboratory, University Medical Center Utrecht
Classification: Benign. Review status: no assertion criteria provided. Collection method: clinical testing. Allele origin: germline. Affected: yes. Study: VKGL Data-share Consensus. Not counted in ClinVar's aggregate classification.

Laboratory of Diagnostic Genome Analysis, Leiden University Medical Center (LUMC)
Classification: Likely benign. Review status: no assertion criteria provided. Collection method: clinical testing. Allele origin: germline. Affected: yes. Study: VKGL Data-share Consensus. Not counted in ClinVar's aggregate classification.

NM_006218.4(PIK3CA):c.1143C>G (p.Pro381=)

Gene: PIK3CA (phosphatidylinositol-4,5-bisphosphate 3-kinase catalytic subunit alpha; plus strand). Cytogenetic location: 3q26.32.
Variant type: single nucleotide variant.
Coding change: c.1143C>G on transcript NM_006218.4 (MANE Select); coding-DNA position 1143, C replaced by G.
Protein change: p.Pro381=; no amino-acid change (proline 381 retained).
Molecular consequence: synonymous variant.
Genome position (GRCh38, 1-based): chr3:179,204,586, C>G. VCF-style: chr3-179204586-C-G. GRCh37 (hg19) VCF-style: chr3-178922374-C-G.
Other names: c.1143C>G (LRG_310t1, NM_006218.3).
Identifiers: ClinVar variation 412650 (VCV000412650.43), dbSNP rs72561481, ClinGen allele CA2710651.
Genomic context (GRCh38, chr3:179,204,586, plus strand): 5'-CCATGGAGGAGAACCCTTATGTGACAATGTGAACACTCAAAGAGTACCTTGTTCCAATCC[C>G]AGGTAAGGAAGTATATAGATTTATATTTCCAAAGGTTATATTAGTGTTTAGCAGTATGAT-3'
Protein context (NP_006209.2, residues 371-391): VNTQRVPCSN[Pro381=]RWNEWLNYDI